The following is an entry in ClinVar:

ClinVar aggregate classification (germline): Uncertain significance (1 of 4 stars; one submission).

Submission:

Greenwood Genetic Center Diagnostic Laboratories, Greenwood Genetic Center
Classification: Uncertain significance. Last evaluated: 2022-03-30. Review status: criteria provided, single submitter. Criteria: ACMG Guidelines, 2015. Collection method: clinical testing. Allele origin: germline. Affected: yes.
Comment: PM2

NM_001042545.2(LTBP4):c.2014G>C (p.Ala672Pro)

Gene: LTBP4 (latent transforming growth factor beta binding protein 4; plus strand). Cytogenetic location: 19q13.2.
Variant type: single nucleotide variant.
Coding change: c.2014G>C on transcript NM_001042545.2 (MANE Select); coding-DNA position 2014, G replaced by C.
Protein change: p.Ala672Pro; replaces alanine 672 with proline.
Molecular consequence: missense variant.
Genome position (GRCh38, 1-based): chr19:40,611,355, G>C. VCF-style: chr19-40611355-G-C. GRCh37 (hg19) VCF-style: chr19-41117261-G-C.
Other names: c.2215G>C, p.Ala739Pro (NM_001042544.1); c.2104G>C, p.Ala702Pro (NM_003573.2); short protein forms A672P, A702P, A739P.
Identifiers: ClinVar variation 1676506 (VCV001676506.3), dbSNP rs754279420, ClinGen allele CA405937967.